The following is an entry in ClinVar:

ClinVar aggregate classification (germline): Uncertain significance (1 of 4 stars; one submission).

Conditions:
Chopra-Amiel-Gordon syndrome (CAGS). Also called: ANKRD17-Related Neurodevelopmental Syndrome. Identifiers: MedGen C5561975, MONDO:0859186, OMIM 619504.

gnomAD v4.1: 3 of 1,614,144 alleles (0.00019%); highest among the groups gnomAD compares: Non-Finnish European, 0.00025%; no homozygotes.

Submission:

Clinical Genomics Laboratory, Washington University in St. Louis
Classification: Uncertain significance for Chopra-Amiel-Gordon syndrome. Last evaluated: 2025-03-25. Review status: criteria provided, single submitter. Criteria: ACMG Guidelines, 2015. Collection method: clinical testing. Allele origin: germline.
Comment: The ANKRD17 c.7346A>G (p.Asn2449Ser) variant, to our knowledge, has not been reported in the medical literature nor in the ClinVar database. This variant is only observed on 1/251,476 alleles in the general population (gnomAD v2.1), indicating it is not a common variant. Computational predictors suggest that the variant does not impact ANKRD17 function. Due to limited information, and based on ACMG/AMP guidelines for variant interpretation (Richards S et al., PMID: 25741868), the clinical significance of this variant is uncertain at this time.

NM_032217.5(ANKRD17):c.7346A>G (p.Asn2449Ser)

Gene: ANKRD17 (ankyrin repeat domain 17; minus strand). Cytogenetic location: 4q13.3.
Variant type: single nucleotide variant.
Coding change: c.7346A>G on transcript NM_032217.5 (MANE Select); coding-DNA position 7346, A replaced by G.
Protein change: p.Asn2449Ser; replaces asparagine 2449 with serine.
Molecular consequence: missense variant.
Genome position (GRCh38, 1-based): chr4:73,078,704, T>C on the plus strand (A>G on the coding strand, the complement: ANKRD17 is on the minus strand). VCF-style: chr4-73078704-T-C. GRCh37 (hg19) VCF-style: chr4-73944421-T-C.
Other names: c.7007A>G, p.Asn2336Ser (NM_001286771.3); c.7343A>G, p.Asn2448Ser (NM_015574.2); c.6593A>G, p.Asn2198Ser (NM_198889.3); short protein forms N2198S, N2336S, N2448S, N2449S.
Identifiers: ClinVar variation 4279726 (VCV004279726.1).
Genomic context (GRCh38, chr4:73,078,704, plus strand): 5'-TGATTGCCACCAATCCCTTCAAAGGACCAGATGCCACTATGTCCTACTGATGTAGACAAA[T>C]TGCTCCCAATAACAGATGGAGCTGACGTTCCAGTTTGCCTGATACGTGCAGAACGTTCAG-3'
Protein context (NP_115593.3, residues 2439-2459): GTSAPSVIGS[Asn2449Ser]LSTSVGHSGI